The following is an entry in ClinVar:

ClinVar aggregate classification (germline): Uncertain significance (1 of 4 stars; one submission).

Submission:

Labcorp Genetics (formerly Invitae), Labcorp
Classification: Uncertain significance. Last evaluated: 2025-06-22. Review status: criteria provided, single submitter. Criteria: Invitae Variant Classification Sherloc (09022015). Collection method: clinical testing. Allele origin: germline.
Comment: This sequence change replaces alanine, which is neutral and non-polar, with valine, which is neutral and non-polar, at codon 28 of the VAV1 protein (p.Ala28Val). This variant is not present in population databases (gnomAD no frequency). This variant has not been reported in the literature in individuals affected with VAV1-related conditions. An algorithm developed to predict the effect of missense changes on protein structure and function (PolyPhen-2) suggests that this variant is likely to be disruptive. In summary, the available evidence is currently insufficient to determine the role of this variant in disease. Therefore, it has been classified as a Variant of Uncertain Significance.

NM_005428.4(VAV1):c.83C>T (p.Ala28Val)

Gene: VAV1 (vav guanine nucleotide exchange factor 1; plus strand). Cytogenetic location: 19p13.3.
Variant type: single nucleotide variant.
Coding change: c.83C>T on transcript NM_005428.4 (MANE Select); coding-DNA position 83, C replaced by T.
Protein change: p.Ala28Val; replaces alanine 28 with valine.
Molecular consequence: missense variant.
Genome position (GRCh38, 1-based): chr19:6,772,890, C>T. VCF-style: chr19-6772890-C-T. GRCh37 (hg19) VCF-style: chr19-6772901-C-T.
Other names: c.83C>T, p.Ala28Val (NM_001258206.2, NM_001258207.2); short protein forms A28V.
Identifiers: ClinVar variation 4721472 (VCV004721472.1).